The following is an entry in ClinVar:

ClinVar aggregate classification (germline): Benign. Review status: criteria provided, multiple submitters, no conflicts (2 of 4 stars). 2 submissions from 2 submitters: Benign (2). Last evaluated 2018-01-13.

Conditions:
Isolated focal non-epidermolytic palmoplantar keratoderma. Also called: Palmoplantar keratoderma, nonepidermolytic, focal 2. Identifiers: Orphanet 448264, MedGen C4225339, MONDO:0014622, OMIM 616400.

Allele frequency attached by ClinVar (database versions not stated): gnomAD exomes 1.00000; TOPMed 0.94160; gnomAD 0.94551 and 0.94924; 1000 Genomes Project 30x 0.94191; 1000 Genomes Project 0.94629.
gnomAD v4.1: 144,449 of 152,086 alleles (95%); highest among the groups gnomAD compares: East Asian, 100%; 69,029 homozygotes.

Submissions (2):

Illumina Laboratory Services, Illumina
Classification: Benign for Isolated focal non-epidermolytic palmoplantar keratoderma. Last evaluated: 2018-01-13. Review status: criteria provided, single submitter. Criteria: ICSL Variant Classification Criteria 13 December 2019. Collection method: clinical testing. Allele origin: germline.
Comment: This variant was observed in the ICSL laboratory as part of a predisposition screen in an ostensibly healthy population. It had not been previously curated by ICSL or reported in the Human Gene Mutation Database (HGMD: prior to June 1st, 2018), and was therefore a candidate for classification through an automated scoring system. Utilizing variant allele frequency, disease prevalence and penetrance estimates, and inheritance mode, an automated score was calculated to assess if this variant is too frequent to cause the disease. Based on the score and internal cut-off values, a variant classified as benign is not then subjected to further curation. The score for this variant resulted in a classification of benign for this disease.

Breakthrough Genomics
Classification: Benign. Review status: criteria provided, single submitter. Criteria: ACMG Guidelines, 2015. Collection method: not provided. Allele origin: germline. Inheritance: Autosomal dominant inheritance. Affected: yes.

NM_145068.4(TRPV3):c.*1590T>C

Genes: SPATA22 (spermatogenesis associated 22; minus strand), TRPV3 (transient receptor potential cation channel subfamily V member 3; minus strand). Cytogenetic location: 17p13.2.
Variant type: single nucleotide variant.
Coding change: c.*1590T>C on transcript NM_145068.4 (MANE Select); 1590 bases downstream of the stop codon, T replaced by C.
Molecular consequence: 3 prime UTR variant. On other transcripts: intron variant (2).
Genome position (GRCh38, 1-based): chr17:3,512,327, A>G on the plus strand (T>C on the coding strand, the complement: TRPV3 is on the minus strand). VCF-style: chr17-3512327-A-G. GRCh37 (hg19) VCF-style: chr17-3415621-A-G.
Other names: c.*1590T>C (NM_001258205.2); c.-74+1085T>C (NM_001321336.2, NM_001321337.2).
Identifiers: ClinVar variation 322718 (VCV000322718.8), dbSNP rs5818898, ClinGen allele CA10639400.
Genomic context (GRCh38, chr17:3,512,327, plus strand): 5'-CACGCGATTACTCCCTGGGTCAGCTGGGAGGGCAGGGGCTGCTGTGGATTGTGAAGCCTC[A>G]CACACCCCAGCCCACCTCTCCCCAATCGGCCCCATCAGGGGCACAAAGTCTCTATCTGTC-3'